The following is an entry in ClinVar:

NM_004525.3(LRP2):c.6759T>C (p.Asp2253=)

Gene: LRP2 (LDL receptor related protein 2; minus strand). Cytogenetic location: 2q31.1.
Variant type: single nucleotide variant.
Coding change: c.6759T>C on transcript NM_004525.3 (MANE Select); coding-DNA position 6759, T replaced by C.
Protein change: p.Asp2253=; no amino-acid change (aspartic acid 2253 retained).
Molecular consequence: synonymous variant.
Genome position (GRCh38, 1-based): chr2:169,206,961, A>G on the plus strand (T>C on the coding strand, the complement: LRP2 is on the minus strand). VCF-style: chr2-169206961-A-G. GRCh37 (hg19) VCF-style: chr2-170063471-A-G.
Other names: p.Asp2253=.
Identifiers: ClinVar variation 129535 (VCV000129535.23), dbSNP rs35114151, ClinGen allele CA153607.

ClinVar aggregate classification (germline): Benign. Review status: criteria provided, multiple submitters, no conflicts (2 of 4 stars). 8 submissions from 8 submitters: Benign (7). 1 of the submissions does not count toward it. Last evaluated 2026-02-04.

Conditions:
Donnai-Barrow syndrome. Also called: FACIOOCULOACOUSTICORENAL SYNDROME; DBS/FOAR SYNDROME. Identifiers: Orphanet 2143, MedGen C1857277, MONDO:0009104, OMIM 222448.

Allele frequency attached by ClinVar (database versions not stated): gnomAD exomes 0.03701; ExAC 0.03993; TOPMed 0.04720; gnomAD 0.04805 and 0.04836; ESP Exome Variant Server 0.05028; 1000 Genomes Project 0.06050; 1000 Genomes Project 30x 0.06277.
gnomAD v4.1: 45,124 of 1,614,166 alleles (2.8%); highest among the groups gnomAD compares: African/African-American, 11%; 1,138 homozygotes.

Submissions (8):

Labcorp Genetics (formerly Invitae), Labcorp
Classification: Benign. Last evaluated: 2026-02-04. Review status: criteria provided, single submitter. Criteria: Invitae Variant Classification Sherloc (09022015). Collection method: clinical testing. Allele origin: germline.

Blueprint Genetics
Classification: Benign. Last evaluated: 2024-11-26. Review status: criteria provided, single submitter. Criteria: ACMG Guidelines, 2015. Collection method: clinical testing. Allele origin: germline.

Mayo Clinic Laboratories, Mayo Clinic
Classification: Benign. Last evaluated: 2022-03-09. Review status: criteria provided, single submitter. Criteria: ACMG Guidelines, 2015. Collection method: clinical testing. Allele origin: germline. Observed: 8 variant alleles.

Genome-Nilou Lab
Classification: Benign for Donnai-Barrow syndrome. Last evaluated: 2021-07-15. Review status: criteria provided, single submitter. Criteria: ACMG Guidelines, 2015. Collection method: clinical testing. Allele origin: germline. Affected: no.

GeneDx
Classification: Benign. Last evaluated: 2021-05-04. Review status: criteria provided, single submitter. Criteria: GeneDx Variant Classification Process June 2021. Collection method: clinical testing. Allele origin: germline. Affected: yes.

Illumina Laboratory Services, Illumina
Classification: Benign for Donnai-Barrow syndrome. Last evaluated: 2018-01-12. Review status: criteria provided, single submitter. Criteria: ICSL Variant Classification Criteria 13 December 2019. Collection method: clinical testing. Allele origin: germline.
Comment: This variant was observed in the ICSL laboratory as part of a predisposition screen in an ostensibly healthy population. It had not been previously curated by ICSL or reported in the Human Gene Mutation Database (HGMD: prior to June 1st, 2018), and was therefore a candidate for classification through an automated scoring system. Utilizing variant allele frequency, disease prevalence and penetrance estimates, and inheritance mode, an automated score was calculated to assess if this variant is too frequent to cause the disease. Based on the score and internal cut-off values, a variant classified as benign is not then subjected to further curation. The score for this variant resulted in a classification of benign for this disease.

Breakthrough Genomics
Classification: Benign. Review status: criteria provided, single submitter. Criteria: ACMG Guidelines, 2015. Collection method: not provided. Allele origin: germline. Inheritance: Autosomal recessive inheritance. Affected: yes.

Genetic Services Laboratory, University of Chicago
Classification: Likely benign for AllHighlyPenetrant. Review status: no assertion criteria provided. Collection method: clinical testing. Allele origin: germline. Inheritance: Autosomal recessive inheritance. Not counted in ClinVar's aggregate classification.
Comment: Likely benign based on allele frequency in 1000 Genomes Project or ESP global frequency and its presence in a patient with a rare or unrelated disease phenotype. NOT Sanger confirmed.